The following is an entry in ClinVar:

ClinVar aggregate classification (germline): Conflicting classifications of pathogenicity. Review status: criteria provided, conflicting classifications (1 of 4 stars). 2 submissions from 2 submitters: Uncertain significance (1); Likely benign (1). Last evaluated 2024-10-22.

gnomAD v4.1: 29 of 1,551,726 alleles (0.0019%); highest among the groups gnomAD compares: East Asian, 0.02%; no homozygotes.

Submissions (2):

Blueprint Genetics
Classification: Likely benign. Last evaluated: 2024-10-22. Review status: criteria provided, single submitter. Criteria: ACMG Guidelines, 2015. Collection method: clinical testing. Allele origin: germline.

Labcorp Genetics (formerly Invitae), Labcorp
Classification: Uncertain significance. Last evaluated: 2024-09-12. Review status: criteria provided, single submitter. Criteria: Invitae Variant Classification Sherloc (09022015). Collection method: clinical testing. Allele origin: germline.
Comment: This sequence change affects codon 1437 of the LOXHD1 mRNA. It is a 'silent' change, meaning that it does not change the encoded amino acid sequence of the LOXHD1 protein. This variant is present in population databases (rs189287659, gnomAD 0.04%). This variant has not been reported in the literature in individuals affected with LOXHD1-related conditions. Algorithms developed to predict the effect of sequence changes on RNA splicing suggest that this variant is not likely to affect RNA splicing. In summary, the available evidence is currently insufficient to determine the role of this variant in disease. Therefore, it has been classified as a Variant of Uncertain Significance.

NM_001384474.1(LOXHD1):c.4311T>A (p.Thr1437=)

Gene: LOXHD1 (lipoxygenase homology PLAT domains 1; minus strand). Cytogenetic location: 18q21.1.
Variant type: single nucleotide variant.
Coding change: c.4311T>A on transcript NM_001384474.1 (MANE Select); coding-DNA position 4311, T replaced by A.
Protein change: p.Thr1437=; no amino-acid change (threonine 1437 retained).
Molecular consequence: synonymous variant.
Genome position (GRCh38, 1-based): chr18:46,533,226, A>T on the plus strand (T>A on the coding strand, the complement: LOXHD1 is on the minus strand). VCF-style: chr18-46533226-A-T. GRCh37 (hg19) VCF-style: chr18-44113189-A-T.
Other names: c.978T>A, p.Thr326= (NM_001145472.3); c.690T>A, p.Thr230= (NM_001308013.2); c.4311T>A, p.Thr1437= (NM_144612.7).
Identifiers: ClinVar variation 3673023 (VCV003673023.2).
Genomic context (GRCh38, chr18:46,533,226, plus strand): 5'-CAGAGGCTCTTCTACTTCCTTGTAGACTTGCCGTAAGGACCCATCTTTCATGTATTTCTC[A>T]GTGAAGATGTCATATGGAACCAGTTCTCGAATGGTCTTTTTGTCATCCTCAGAGGTGGCA-3'
Protein context (NP_001371403.1, residues 1427-1447): IRELVPYDIF[Thr1437=]EKYMKDGSLR